The following is an entry in ClinVar:

ClinVar aggregate classification (germline): Pathogenic/Likely pathogenic. Review status: criteria provided, multiple submitters, no conflicts (2 of 4 stars). 3 submissions from 3 submitters: Pathogenic (2); Likely pathogenic (1). Last evaluated 2024-10-12.

Conditions:
Galactosylceramide beta-galactosidase deficiency. Also called: Krabbe Disease; GALACTOCEREBROSIDASE DEFICIENCY; GALC DEFICIENCY; GLOBOID CELL LEUKOENCEPHALOPATHY; Leukodystrophy, Globoid Cell. Identifiers: Orphanet 487, MedGen C0023521, MONDO:0009499, OMIM 245200.

Allele frequency attached by ClinVar (database versions not stated): gnomAD 0.00001; gnomAD exomes 0.00001; TOPMed 0.00001.
gnomAD v4.1: 10 of 1,613,310 alleles (0.00062%); highest among the groups gnomAD compares: Non-Finnish European, 0.00076%; no homozygotes.

Submissions (3):

Labcorp Genetics (formerly Invitae), Labcorp
Classification: Pathogenic for Galactosylceramide beta-galactosidase deficiency. Last evaluated: 2024-10-12. Review status: criteria provided, single submitter. Criteria: Invitae Variant Classification Sherloc (09022015). Collection method: clinical testing. Allele origin: germline.
Comment: This sequence change creates a premature translational stop signal (p.Gln328*) in the GALC gene. It is expected to result in an absent or disrupted protein product. Loss-of-function variants in GALC are known to be pathogenic (PMID: 7437911, 9272171, 16607461). This variant is present in population databases (no rsID available, gnomAD 0.01%). This premature translational stop signal has been observed in individual(s) with Krabbe disease (PMID: 17579360). This variant is also known as p.Gln312X. ClinVar contains an entry for this variant (Variation ID: 988267). Algorithms developed to predict the effect of sequence changes on RNA splicing suggest that this variant may disrupt the consensus splice site. For these reasons, this variant has been classified as Pathogenic.

Women's Health and Genetics/Laboratory Corporation of America, LabCorp
Classification: Pathogenic for Galactosylceramide beta-galactosidase deficiency. Last evaluated: 2022-04-20. Review status: criteria provided, single submitter. Criteria: LabCorp Variant Classification Summary - May 2015. Collection method: clinical testing. Allele origin: germline.
Comment: Variant summary: GALC c.982C>T (p.Gln328X) results in a premature termination codon, predicted to cause a truncation of the encoded protein or absence of the protein due to nonsense mediated decay, which are commonly known mechanisms for disease. Truncations downstream of this position have been classified as pathogenic by our laboratory. The variant allele was found at a frequency of 1.2e-05 in 249026 control chromosomes. c.982C>T has been reported in the literature as a compound heterozygous genotype in multiple individuals affected with Krabbe Disease (example, Madsen_2019, Fiumara_2011, Lissens_2007). Two clinical diagnostic laboratories have submitted clinical-significance assessments for this variant to ClinVar after 2014 without evidence for independent evaluation. All laboratories classified the variant as pathogenic/likely pathogenic. Based on the evidence outlined above, the variant was classified as pathogenic.

Clinical Genetics and Genomics, Karolinska University Hospital
Classification: Likely pathogenic. Last evaluated: 2019-08-27. Review status: criteria provided, single submitter. Criteria: ACMG Guidelines, 2015. Collection method: clinical testing. Allele origin: germline. Affected: yes. Observed: 1 variant allele.

Literature cited by the submitters: PubMed 7437911 (cited by Labcorp Genetics (formerly Invitae), Labcorp); PubMed 9272171 (cited by Labcorp Genetics (formerly Invitae), Labcorp); PubMed 16607461 (cited by Labcorp Genetics (formerly Invitae), Labcorp); PubMed 17579360 (cited by Labcorp Genetics (formerly Invitae), Labcorp and Women's Health and Genetics/Laboratory Corporation of America, LabCorp); PubMed 21070211 (cited by Women's Health and Genetics/Laboratory Corporation of America, LabCorp); PubMed 31240153 (cited by Women's Health and Genetics/Laboratory Corporation of America, LabCorp).

NM_000153.4(GALC):c.982C>T (p.Gln328Ter)

Gene: GALC (galactosylceramidase; minus strand). Cytogenetic location: 14q31.3.
Variant type: single nucleotide variant.
Coding change: c.982C>T on transcript NM_000153.4 (MANE Select); coding-DNA position 982, C replaced by T.
Protein change: p.Gln328Ter; replaces glutamine 328 with a stop codon.
Molecular consequence: nonsense.
Genome position (GRCh38, 1-based): chr14:87,965,556, G>A on the plus strand (C>T on the coding strand, the complement: GALC is on the minus strand). VCF-style: chr14-87965556-G-A. GRCh37 (hg19) VCF-style: chr14-88431900-G-A.
Other names: c.982C>T (NM_000153.3); c.913C>T, p.Gln305Ter (NM_001201401.2); c.904C>T, p.Gln302Ter (NM_001201402.2); short protein forms Q302*, Q305*, Q328*.
Identifiers: ClinVar variation 988267 (VCV000988267.10), dbSNP rs1337518083, ClinGen allele CA390747510.